The following is an entry in ClinVar:

ClinVar aggregate classification (germline): Uncertain significance. Review status: criteria provided, multiple submitters, no conflicts (2 of 4 stars). 3 submissions from 3 submitters: Uncertain significance (3). Last evaluated 2026-01-19.

Conditions:
Inborn genetic diseases. Identifiers: MedGen C0950123, MeSH D030342.
CEP164-related disorder. Also called: CEP164-related condition.
Nephronophthisis 15 (NPHP15). Identifiers: Orphanet 3156, MedGen C3541853, MONDO:0013917, OMIM 614845.

Allele frequency attached by ClinVar (database versions not stated): gnomAD exomes 0.00001; TOPMed 0.00001; ExAC 0.00002; gnomAD 0.00001.
gnomAD v4.1: 10 of 1,614,022 alleles (0.00062%); highest among the groups gnomAD compares: Admixed American, 0.015%; no homozygotes.

Submissions (3):

Labcorp Genetics (formerly Invitae), Labcorp
Classification: Uncertain significance for Nephronophthisis 15. Last evaluated: 2026-01-19. Review status: criteria provided, single submitter. Criteria: Invitae Variant Classification Sherloc (09022015). Collection method: clinical testing. Allele origin: germline.
Comment: This sequence change replaces lysine, which is basic and polar, with asparagine, which is neutral and polar, at codon 923 of the CEP164 protein (p.Lys923Asn). This variant is present in population databases (rs758053625, gnomAD 0.02%). This variant has not been reported in the literature in individuals affected with CEP164-related conditions. ClinVar contains an entry for this variant (Variation ID: 2149079). Invitae Evidence Modeling of protein sequence and biophysical properties (such as structural, functional, and spatial information, amino acid conservation, physicochemical variation, residue mobility, and thermodynamic stability) indicates that this missense variant is not expected to disrupt CEP164 protein function with a negative predictive value of 80%. In summary, the available evidence is currently insufficient to determine the role of this variant in disease. Therefore, it has been classified as a Variant of Uncertain Significance.

PreventionGenetics, part of Exact Sciences
Classification: Uncertain significance for CEP164-related condition. Last evaluated: 2025-02-09. Review status: criteria provided, single submitter. Criteria: ACMG Guidelines, 2015. Collection method: clinical testing. Allele origin: germline.
Comment: The CEP164 c.2769G>C variant is predicted to result in the amino acid substitution p.Lys923Asn. To our knowledge, this variant has not been reported in the literature. This variant is reported in 0.023% of alleles in individuals of Latino descent in gnomAD. At this time, the clinical significance of this variant is uncertain due to the absence of conclusive functional and genetic evidence.

Ambry Genetics
Classification: Uncertain significance for Inborn genetic diseases. Last evaluated: 2021-10-06. Review status: criteria provided, single submitter. Criteria: Ambry Variant Classification Scheme 2023. Collection method: clinical testing. Allele origin: germline.

NM_014956.5(CEP164):c.2769G>C (p.Lys923Asn)

Gene: CEP164 (centrosomal protein 164; plus strand). Cytogenetic location: 11q23.3.
Variant type: single nucleotide variant.
Coding change: c.2769G>C on transcript NM_014956.5 (MANE Select); coding-DNA position 2769, G replaced by C.
Protein change: p.Lys923Asn; replaces lysine 923 with asparagine.
Molecular consequence: missense variant.
Genome position (GRCh38, 1-based): chr11:117,394,928, G>C. VCF-style: chr11-117394928-G-C. GRCh37 (hg19) VCF-style: chr11-117265644-G-C.
Other names: c.2778G>C, p.Lys926Asn (NM_001271933.2); c.2769G>C (NM_014956.4); short protein forms K926N, K923N.
Identifiers: ClinVar variation 2149079 (VCV002149079.4), dbSNP rs758053625, ClinGen allele CA6295215.